The following is an entry in ClinVar:

NM_002971.6(SATB1):c.1186G>A (p.Val396Met)

Gene: SATB1 (SATB homeobox 1; minus strand). Cytogenetic location: 3p24.3.
Variant type: single nucleotide variant.
Coding change: c.1186G>A on transcript NM_002971.6 (MANE Select); coding-DNA position 1186, G replaced by A.
Protein change: p.Val396Met; replaces valine 396 with methionine.
Molecular consequence: missense variant.
Genome position (GRCh38, 1-based): chr3:18,394,482, C>T on the plus strand (G>A on the coding strand, the complement: SATB1 is on the minus strand). VCF-style: chr3-18394482-C-T. GRCh37 (hg19) VCF-style: chr3-18435974-C-T.
Other names: c.1186G>A, p.Val396Met (NM_001131010.4, NM_001195470.3, NM_001322871.2 and 4 more transcripts); c.970G>A, p.Val324Met (NM_001322876.2); short protein forms V324M, V396M.
Identifiers: ClinVar variation 4882210 (VCV004882210.2).
Genomic context (GRCh38, chr3:18,394,482, plus strand): 5'-ATAGGAGACAGCACAGAACCACTTATGAAACACAACTGACCTGAGTTCTGTTAAAAGCCA[C>T]ACGTGCAAATACCGCCTGGGAGATTCCTGCTCGTTTCAGTTCATCGCGTACCCACTGGTA-3'
Protein context (NP_002962.1, residues 386-406): AGISQAVFAR[Val396Met]AFNRTQGLLS

ClinVar aggregate classification (germline): Uncertain significance (1 of 4 stars; one submission).

Submission:

Dasa
Classification: Uncertain significance. Last evaluated: 2025-06-30. Review status: criteria provided, single submitter. Criteria: DASA Assertion Criteria. Collection method: clinical testing. Allele origin: germline.
Comment: NM_002971.6(SATB1):c.1186G>A (p.Val396Met) is a missense variant that results in the substitution of valine with methionine. This variant is absent from population databases. Computational prediction algorithms are consistent with a benign effect. The currently available literature and clinical evidence are not sufficient to establish a definitive association between this variant and the reported condition. Therefore, this variant is classified as a variant of uncertain significance.